The following is an entry in ClinVar:

ClinVar aggregate classification (germline): Uncertain significance (1 of 4 stars; one submission).

Submission:

Labcorp Genetics (formerly Invitae), Labcorp
Classification: Uncertain significance. Last evaluated: 2025-08-01. Review status: criteria provided, single submitter. Criteria: Invitae Variant Classification Sherloc (09022015). Collection method: clinical testing. Allele origin: germline.
Comment: This sequence change creates a premature translational stop signal (p.Ser81Phefs*3) in the SRP72 gene. It is expected to result in an absent or disrupted protein product. However, the current clinical and genetic evidence is not sufficient to establish whether loss-of-function variants in SRP72 cause disease. This variant is not present in population databases (gnomAD no frequency). This variant has not been reported in the literature in individuals affected with SRP72-related conditions. ClinVar contains an entry for this variant (Variation ID: 2980790). Experimental studies and prediction algorithms are not available or were not evaluated, and the functional significance of this variant is currently unknown. Algorithms developed to predict the effect of sequence changes on RNA splicing suggest that this variant may create or strengthen a splice site. In summary, the available evidence is currently insufficient to determine the role of this variant in disease. Therefore, it has been classified as a Variant of Uncertain Significance.

NM_006947.4(SRP72):c.241dup (p.Ser81fs)

Gene: SRP72 (signal recognition particle 72; plus strand). Cytogenetic location: 4q12.
Variant type: Duplication.
Coding change: c.241dup on transcript NM_006947.4 (MANE Select); coding-DNA position 241, one base duplicated (T; older notation c.241dupT).
Protein change: p.Ser81fs; shifts the reading frame from serine 81.
Molecular consequence: frameshift variant. On other transcripts: non-coding transcript variant (1).
Genome position (GRCh38, 1-based): chr4:56,471,730, T duplicated. VCF-style (leftmost placement, unchanged base first): chr4-56471729-C-CT. GRCh37 (hg19) VCF-style: chr4-57337895-C-CT.
Other names: c.241dup, p.Ser81fs (NM_001267722.2); short protein forms S81fs.
Identifiers: ClinVar variation 2980790 (VCV002980790.3), dbSNP rs2545746861, ClinGen allele CA2740091277.